The following is an entry in ClinVar:

ClinVar aggregate classification (germline): Uncertain significance (1 of 4 stars; one submission).

Conditions:
46,XY sex reversal 9 (SRXY9). Also called: 46,XY SEX REVERSAL, ZFPM2-RELATED. Identifiers: Orphanet 251510, MedGen C4015129, MONDO:0014480, OMIM 616067.

Submission:

Labcorp Genetics (formerly Invitae), Labcorp
Classification: Uncertain significance for 46,XY sex reversal 9. Last evaluated: 2024-05-06. Review status: criteria provided, single submitter. Criteria: Invitae Variant Classification Sherloc (09022015). Collection method: clinical testing. Allele origin: germline.
Comment: This sequence change replaces valine, which is neutral and non-polar, with methionine, which is neutral and non-polar, at codon 160 of the ZFPM2 protein (p.Val160Met). This variant is not present in population databases (gnomAD no frequency). This variant has not been reported in the literature in individuals affected with ZFPM2-related conditions. An algorithm developed to predict the effect of missense changes on protein structure and function (PolyPhen-2) suggests that this variant is likely to be disruptive. In summary, the available evidence is currently insufficient to determine the role of this variant in disease. Therefore, it has been classified as a Variant of Uncertain Significance.

NM_012082.4(ZFPM2):c.478G>A (p.Val160Met)

Gene: ZFPM2 (zinc finger protein, FOG family member 2; plus strand). Cytogenetic location: 8q23.1.
Variant type: single nucleotide variant.
Coding change: c.478G>A on transcript NM_012082.4 (MANE Select); coding-DNA position 478, G replaced by A.
Protein change: p.Val160Met; replaces valine 160 with methionine.
Molecular consequence: missense variant.
Genome position (GRCh38, 1-based): chr8:105,634,303, G>A. VCF-style: chr8-105634303-G-A. GRCh37 (hg19) VCF-style: chr8-106646531-G-A.
Other names: c.319G>A, p.Val107Met (NM_001362836.2); c.82G>A, p.Val28Met (NM_001362837.2); short protein forms V28M, V107M, V160M.
Identifiers: ClinVar variation 3715579 (VCV003715579.2).